The following is an entry in ClinVar:

NM_006019.4(TCIRG1):c.685G>C (p.Gly229Arg)

Gene: TCIRG1 (T cell immune regulator 1, ATPase H+ transporting V0 subunit a3; plus strand). Cytogenetic location: 11q13.2.
Variant type: single nucleotide variant.
Coding change: c.685G>C on transcript NM_006019.4 (MANE Select); coding-DNA position 685, G replaced by C.
Protein change: p.Gly229Arg; replaces glycine 229 with arginine.
Molecular consequence: missense variant. On other transcripts: 5 prime UTR variant (1).
Genome position (GRCh38, 1-based): chr11:68,043,625, G>C. VCF-style: chr11-68043625-G-C. GRCh37 (hg19) VCF-style: chr11-67811092-G-C.
Other names: c.-226G>C (NM_001351059.2); c.37G>C, p.Gly13Arg (NM_006053.4); short protein forms G13R, G229R.
Identifiers: ClinVar variation 1364626 (VCV001364626.8), dbSNP rs746497338, ClinGen allele CA381578672.

ClinVar aggregate classification (germline): Uncertain significance (1 of 4 stars; one submission).

Submission:

Labcorp Genetics (formerly Invitae), Labcorp
Classification: Uncertain significance. Last evaluated: 2022-09-12. Review status: criteria provided, single submitter. Criteria: Invitae Variant Classification Sherloc (09022015). Collection method: clinical testing. Allele origin: germline.
Comment: This sequence change replaces glycine, which is neutral and non-polar, with arginine, which is basic and polar, at codon 229 of the TCIRG1 protein (p.Gly229Arg). This variant is not present in population databases (gnomAD no frequency). This variant has not been reported in the literature in individuals affected with TCIRG1-related conditions. ClinVar contains an entry for this variant (Variation ID: 1364626). Advanced modeling of protein sequence and biophysical properties (such as structural, functional, and spatial information, amino acid conservation, physicochemical variation, residue mobility, and thermodynamic stability) performed at Invitae indicates that this missense variant is not expected to disrupt TCIRG1 protein function. In summary, the available evidence is currently insufficient to determine the role of this variant in disease. Therefore, it has been classified as a Variant of Uncertain Significance.